The following is an entry in ClinVar:

ClinVar aggregate classification (germline): Uncertain significance. Review status: criteria provided, multiple submitters, no conflicts (2 of 4 stars). 2 submissions from 2 submitters: Uncertain significance (2). Last evaluated 2021-06-08.

Conditions:
Inborn genetic diseases. Identifiers: MedGen C0950123, MeSH D030342.
Luscan-Lumish syndrome. Identifiers: Orphanet 597738, MedGen C4085873, MONDO:0014791, OMIM 616831.

Allele frequency attached by ClinVar (database versions not stated): gnomAD exomes below 0.00001 and 0.00001; ExAC 0.00001; TOPMed 0.00001.
gnomAD v4.1: 15 of 1,614,166 alleles (0.00093%); highest among the groups gnomAD compares: Non-Finnish European, 0.0012%; no homozygotes.

Submissions (2):

Ambry Genetics
Classification: Uncertain significance for Inborn genetic diseases. Last evaluated: 2021-06-08. Review status: criteria provided, single submitter. Criteria: Ambry Variant Classification Scheme 2023. Collection method: clinical testing. Allele origin: germline.

Labcorp Genetics (formerly Invitae), Labcorp
Classification: Uncertain significance for Luscan-Lumish syndrome. Last evaluated: 2019-10-15. Review status: criteria provided, single submitter. Criteria: Invitae Variant Classification Sherloc (09022015). Collection method: clinical testing. Allele origin: germline.
Comment: This sequence change replaces proline with leucine at codon 2160 of the SETD2 protein (p.Pro2160Leu). The proline residue is moderately conserved and there is a moderate physicochemical difference between proline and leucine. This variant has not been reported in the literature in individuals with SETD2-related conditions. Algorithms developed to predict the effect of missense changes on protein structure and function are either unavailable or do not agree on the potential impact of this missense change (SIFT: "Tolerated"; PolyPhen-2: "Benign"; Align-GVGD: "Class C0"). In summary, the available evidence is currently insufficient to determine the role of this variant in disease. Therefore, it has been classified as a Variant of Uncertain Significance. This variant is present in population databases (rs745996964, ExAC 0.001%).

NM_014159.7(SETD2):c.6479C>T (p.Pro2160Leu)

Gene: SETD2 (SET domain containing 2, histone lysine methyltransferase; minus strand). Cytogenetic location: 3p21.31.
Variant type: single nucleotide variant.
Coding change: c.6479C>T on transcript NM_014159.7 (MANE Select); coding-DNA position 6479, C replaced by T.
Protein change: p.Pro2160Leu; replaces proline 2160 with leucine.
Molecular consequence: missense variant. On other transcripts: non-coding transcript variant (1).
Genome position (GRCh38, 1-based): chr3:47,057,305, G>A on the plus strand (C>T on the coding strand, the complement: SETD2 is on the minus strand). VCF-style: chr3-47057305-G-A. GRCh37 (hg19) VCF-style: chr3-47098795-G-A.
Other names: c.6347C>T, p.Pro2116Leu (NM_001349370.3); short protein forms P2160L, P2116L.
Identifiers: ClinVar variation 967738 (VCV000967738.7), dbSNP rs745996964, ClinGen allele CA2362701.